The following is an entry in ClinVar:

NM_206933.4(USH2A):c.12261G>C (p.Trp4087Cys)

Gene: USH2A (usherin; minus strand). Cytogenetic location: 1q41.
Variant type: single nucleotide variant.
Coding change: c.12261G>C on transcript NM_206933.4 (MANE Select); coding-DNA position 12261, G replaced by C.
Protein change: p.Trp4087Cys; replaces tryptophan 4087 with cysteine.
Molecular consequence: missense variant.
Genome position (GRCh38, 1-based): chr1:215,680,182, C>G on the plus strand (G>C on the coding strand, the complement: USH2A is on the minus strand). VCF-style: chr1-215680182-C-G. GRCh37 (hg19) VCF-style: chr1-215853524-C-G.
Other names: short protein forms W4087C.
Identifiers: ClinVar variation 2581617 (VCV002581617.6), dbSNP rs2464914539, ClinGen allele CA344815854.

ClinVar aggregate classification (germline): Conflicting classifications of pathogenicity. Review status: criteria provided, conflicting classifications (1 of 4 stars). 3 submissions from 3 submitters: Likely pathogenic (1); Uncertain significance (2). Last evaluated 2025-07-31.

Submissions (3):

Women's Health and Genetics/Laboratory Corporation of America, LabCorp
Classification: Uncertain significance. Last evaluated: 2025-07-31. Review status: criteria provided, single submitter. Criteria: LabCorp Variant Classification Summary - May 2015. Collection method: clinical testing. Allele origin: germline.
Comment: Variant summary: USH2A c.12261G>C (p.Trp4087Cys) results in a non-conservative amino acid change located in the Fibronectin type III (IPR003961) of the encoded protein sequence. Algorithms developed to predict the effect of missense changes on protein structure and function all suggest that this variant is likely to be disruptive. The variant was absent in 251138 control chromosomes. The available data on variant occurrences in the general population are insufficient to allow any conclusion about variant significance. c.12261G>C has been observed in an individual affected with Usher Syndrome (Weisschuh_2016). These data do not allow any conclusion about variant significance. To our knowledge, no experimental evidence demonstrating an impact on protein function has been reported. The following publication have been ascertained in the context of this evaluation (PMID: 26766544). ClinVar contains an entry for this variant (Variation ID: 2581617). Based on the evidence outlined above, the variant was classified as uncertain significance.

Labcorp Genetics (formerly Invitae), Labcorp
Classification: Likely pathogenic. Last evaluated: 2024-08-26. Review status: criteria provided, single submitter. Criteria: Invitae Variant Classification Sherloc (09022015). Collection method: clinical testing. Allele origin: germline.
Comment: This sequence change replaces tryptophan, which is neutral and slightly polar, with cysteine, which is neutral and slightly polar, at codon 4087 of the USH2A protein (p.Trp4087Cys). This variant is not present in population databases (gnomAD no frequency). This missense change has been observed in individual(s) with retinitis pigmentosa (PMID: 26766544). In at least one individual the data is consistent with being in trans (on the opposite chromosome) from a pathogenic variant. ClinVar contains an entry for this variant (Variation ID: 2581617). Invitae Evidence Modeling of protein sequence and biophysical properties (such as structural, functional, and spatial information, amino acid conservation, physicochemical variation, residue mobility, and thermodynamic stability) indicates that this missense variant is expected to disrupt USH2A protein function with a positive predictive value of 95%. In summary, the currently available evidence indicates that the variant is pathogenic, but additional data are needed to prove that conclusively. Therefore, this variant has been classified as Likely Pathogenic.

Blueprint Genetics
Classification: Uncertain significance. Last evaluated: 2023-04-20. Review status: criteria provided, single submitter. Criteria: ACMG Guidelines, 2015. Collection method: clinical testing. Allele origin: germline.

Literature cited by the submitters: PubMed 26766544 (cited by Women's Health and Genetics/Laboratory Corporation of America, LabCorp and Labcorp Genetics (formerly Invitae), Labcorp).